The following is an entry in ClinVar:

NM_001368397.1(FRMPD4):c.3381A>C (p.Glu1127Asp)

Gene: FRMPD4 (FERM and PDZ domain containing 4; plus strand). Cytogenetic location: Xp22.2.
Variant type: single nucleotide variant.
Coding change: c.3381A>C on transcript NM_001368397.1 (MANE Select); coding-DNA position 3381, A replaced by C.
Protein change: p.Glu1127Asp; replaces glutamic acid 1127 with aspartic acid.
Molecular consequence: missense variant.
Genome position (GRCh38, 1-based): chrX:12,718,207, A>C. VCF-style: chrX-12718207-A-C. GRCh37 (hg19) VCF-style: chrX-12736326-A-C.
Other names: c.3492A>C, p.Glu1164Asp (NM_001368395.3, NM_001368398.3); c.3387A>C, p.Glu1129Asp (NM_001368396.3); c.3372A>C, p.Glu1124Asp (NM_001368399.3); c.3261A>C, p.Glu1087Asp (NM_001368400.3); c.3357A>C, p.Glu1119Asp (NM_001368401.1, NM_001368402.3); c.3381A>C, p.Glu1127Asp (NM_014728.3); short protein forms E1087D, E1119D, E1124D, E1127D, E1129D, E1164D.
Identifiers: ClinVar variation 3769750 (VCV003769750.1).

ClinVar aggregate classification (germline): Uncertain significance (1 of 4 stars; one submission).

Submission:

GeneDx
Classification: Uncertain significance. Last evaluated: 2024-09-16. Review status: criteria provided, single submitter. Criteria: GeneDx Variant Classification Process June 2021. Collection method: clinical testing. Allele origin: germline. Affected: yes.
Comment: Not observed at significant frequency in large population cohorts (gnomAD); In silico analysis indicates that this missense variant does not alter protein structure/function; Has not been previously published as pathogenic or benign to our knowledge